The following is an entry in ClinVar:

ClinVar aggregate classification (germline): Uncertain significance (1 of 4 stars; one submission).

Conditions:
Epidermolysis bullosa simplex 3, localized or generalized intermediate, with BP230 deficiency (EBS3). Also called: Epidermolysis bullosa simplex, autosomal recessive 2; Epidermolysis bullosa simplex due to BP230 deficiency. Identifiers: Orphanet 412181, MedGen C3809470, MONDO:0014180, OMIM 615425.
Hereditary sensory and autonomic neuropathy type 6. Also called: Neuropathy, hereditary sensory and autonomic, type VI; HSAN VI. Identifiers: Orphanet 314381, MedGen C3539003, MONDO:0013839, OMIM 614653.

Submission:

Labcorp Genetics (formerly Invitae), Labcorp
Classification: Uncertain significance for Epidermolysis bullosa simplex 3, localized or generalized intermediate, with BP230 deficiency; Hereditary sensory and autonomic neuropathy type 6. Last evaluated: 2021-10-28. Review status: criteria provided, single submitter. Criteria: Invitae Variant Classification Sherloc (09022015). Collection method: clinical testing. Allele origin: germline.
Comment: This sequence change replaces aspartic acid, which is acidic and polar, with glutamic acid, which is acidic and polar, at codon 4373 of the DST protein (p.Asp4373Glu). The DST gene has multiple clinically relevant transcripts. This variant occurs in alternate transcript NM_015548.4, and corresponds to NM_001723.5:c.*128354T>A in the primary transcript. This variant is not present in population databases (gnomAD no frequency). This variant has not been reported in the literature in individuals affected with DST-related conditions. Experimental studies and prediction algorithms are not available or were not evaluated, and the functional significance of this variant is currently unknown. In summary, the available evidence is currently insufficient to determine the role of this variant in disease. Therefore, it has been classified as a Variant of Uncertain Significance.

NM_001374736.1(DST):c.20988T>A (p.Asp6996Glu)

Gene: DST (dystonin; minus strand). Cytogenetic location: 6p12.1.
Variant type: single nucleotide variant.
Coding change: c.20988T>A on transcript NM_001374736.1 (MANE Select); coding-DNA position 20988, T replaced by A.
Protein change: p.Asp6996Glu; replaces aspartic acid 6996 with glutamic acid.
Molecular consequence: missense variant.
Genome position (GRCh38, 1-based): chr6:56,487,163, A>T on the plus strand (T>A on the coding strand, the complement: DST is on the minus strand). VCF-style: chr6-56487163-A-T. GRCh37 (hg19) VCF-style: chr6-56351961-A-T.
Other names: c.20988T>A, p.Asp6996Glu (NM_001374722.1); c.20028T>A, p.Asp6676Glu (NM_001374729.1); c.13770T>A, p.Asp4590Glu (NM_001374730.1); c.21015T>A, p.Asp7005Glu (NM_001374734.1); c.14631T>A, p.Asp4877Glu (NM_001144769.5); c.14217T>A, p.Asp4739Glu (NM_001144770.2); c.14097T>A, p.Asp4699Glu (NM_001386100.1, NM_183380.4); c.13119T>A, p.Asp4373Glu (NM_015548.5); short protein forms D4590E, D4699E, D4739E, D4877E, D6676E, D6996E, D4373E, D7005E.
Identifiers: ClinVar variation 1377644 (VCV001377644.6), dbSNP rs2152431827, ClinGen allele CA364513040.